The following is an entry in ClinVar:

ClinVar aggregate classification (germline): Benign (1 of 4 stars; one submission).

Conditions:
Tuberous sclerosis 1 (TSC1). Identifiers: Orphanet 805, MedGen C1854465, MONDO:0008612, OMIM 191100.

Submission:

Myriad Genetics, Inc.
Classification: Benign for Tuberous sclerosis 1. Last evaluated: 2025-04-30. Review status: criteria provided, single submitter. Criteria: Myriad Autosomal Dominant, Autosomal Recessive and X-Linked Classification Criteria (2023). Collection method: clinical testing. Allele origin: unknown.
Comment: This variant is considered benign. This variant is a silent/synonymous amino acid change and it is not expected to impact splicing.

NM_000368.5(TSC1):c.3306C>T (p.Ser1102=)

Gene: TSC1 (TSC complex subunit 1; minus strand). Cytogenetic location: 9q34.13.
Variant type: single nucleotide variant.
Coding change: c.3306C>T on transcript NM_000368.5 (MANE Select); coding-DNA position 3306, C replaced by T.
Protein change: p.Ser1102=; no amino-acid change (serine 1102 retained).
Molecular consequence: synonymous variant. On other transcripts: non-coding transcript variant (5).
Genome position (GRCh38, 1-based): chr9:132,896,424, G>A on the plus strand (C>T on the coding strand, the complement: TSC1 is on the minus strand). VCF-style: chr9-132896424-G-A. GRCh37 (hg19) VCF-style: chr9-135771811-G-A.
Other names: c.2352C>T, p.Ser784= (NM_001406627.1, NM_001406628.1); c.2253C>T, p.Ser751= (NM_001406629.1, NM_001406630.1); c.3303C>T, p.Ser1101= (NM_001162426.2, NM_001406597.1, NM_001406598.1 and 2 more transcripts); c.3153C>T, p.Ser1051= (NM_001162427.2, NM_001406610.1); c.2943C>T, p.Ser981= (NM_001362177.2, NM_001406614.1, NM_001406615.1 and 4 more transcripts); c.3306C>T, p.Ser1102= (NM_001406592.1, NM_001406593.1, NM_001406594.1 and 2 more transcripts); c.3291C>T, p.Ser1097= (NM_001406601.1, NM_001406602.1); c.3288C>T, p.Ser1096= (NM_001406603.1, NM_001406604.1); and 8 more.
Identifiers: ClinVar variation 4071299 (VCV004071299.1).
Genomic context (GRCh38, chr9:132,896,424, plus strand): 5'-GCCCAGTTCTGTCTTTAGGCTCTCAGAAAGGCTACTGGTCATGCCGTCCTCATCACACTG[G>A]CTCTCGCTCTTATTACGAAATAACTCTCGAGCCTTCATACCCAGGAAGCTTTTTGAACTG-3'
Protein context (NP_000359.1, residues 1092-1112): ARELFRNKSE[Ser1102=]QCDEDGMTSS